The following is an entry in ClinVar:

NM_182641.4(BPTF):c.3878C>T (p.Ser1293Phe)

Gene: BPTF (bromodomain PHD finger transcription factor; plus strand). Cytogenetic location: 17q24.2.
Variant type: single nucleotide variant.
Coding change: c.3878C>T on transcript NM_182641.4 (MANE Select); coding-DNA position 3878, C replaced by T.
Protein change: p.Ser1293Phe; replaces serine 1293 with phenylalanine.
Molecular consequence: missense variant.
Genome position (GRCh38, 1-based): chr17:67,911,762, C>T. VCF-style: chr17-67911762-C-T. GRCh37 (hg19) VCF-style: chr17-65907878-C-T.
Other names: c.4067C>T, p.Ser1356Phe (NM_001439139.1, NM_001439141.1, NM_001439143.1 and 1 more transcripts); c.4256C>T, p.Ser1419Phe (NM_001439140.1, NM_001439142.1, NM_004459.7); short protein forms S1293F, S1356F, S1419F.
Identifiers: ClinVar variation 4540213 (VCV004540213.2).
Genomic context (GRCh38, chr17:67,911,762, plus strand): 5'-TGGACTTTGAAGGAAAACTGGGATGTGACTCTGAATCTAATAGCACTTTGGAAAATAGTT[C>T]TGATACCGTGTCTATTCAGGATAGCAGTGAAGAAGATATGATTGTTCAGAATAGCAATGA-3'
Protein context (NP_872579.2, residues 1283-1303): SESNSTLENS[Ser1293Phe]DTVSIQDSSE

ClinVar aggregate classification (germline): Uncertain significance (1 of 4 stars; one submission).

Submission:

GeneDx
Classification: Uncertain significance. Last evaluated: 2026-02-18. Review status: criteria provided, single submitter. Criteria: GeneDx Variant Classification Process June 2021. Collection method: clinical testing. Allele origin: germline.
Comment: Not observed at significant frequency in large population cohorts (gnomAD); In silico analysis supports that this missense variant has a deleterious effect on protein structure/function; Has not been previously published as pathogenic or benign to our knowledge